The following is an entry in ClinVar:

NC_000009.11:g.(?_399126)_(464219_?)dup

Gene: DOCK8 (dedicator of cytokinesis 8; plus strand). Cytogenetic location: 9p24.3.
Variant type: Duplication.
Identifiers: ClinVar variation 3245224 (VCV003245224.1).

ClinVar aggregate classification (germline): Uncertain significance (1 of 4 stars; one submission).

Submission:

Labcorp Genetics (formerly Invitae), Labcorp
Classification: Uncertain significance. Last evaluated: 2023-09-23. Review status: criteria provided, single submitter. Criteria: Invitae Variant Classification Sherloc (09022015). Collection method: clinical testing. Allele origin: unknown.
Comment: In summary, the available evidence is currently insufficient to determine the role of this variant in disease. Therefore, it has been classified as a Variant of Uncertain Significance. This variant results in a copy number gain of the genomic region encompassing exon(s) 26-48 of the DOCK8 gene. This region includes the termination codon of the gene. This copy number gain extends beyond the assayed region for this gene and therefore may encompass additional genes. As the precise location of this event is unknown, it may be in tandem or it may be located elsewhere in the genome. This variant has not been reported in the literature in individuals affected with DOCK8-related conditions. Experimental studies and prediction algorithms are not available or were not evaluated, and the functional significance of this variant is currently unknown.